The following is an entry in ClinVar:

NM_020987.5(ANK3):c.8433dup (p.Gln2812fs)

Gene: ANK3 (ankyrin 3; minus strand). Cytogenetic location: 10q21.2.
Variant type: Duplication.
Coding change: c.8433dup on transcript NM_020987.5 (MANE Select); coding-DNA position 8433, one base duplicated (A; older notation c.8433dupA).
Protein change: p.Gln2812fs; shifts the reading frame from glutamine 2812.
Molecular consequence: frameshift variant. On other transcripts: intron variant (4).
Genome position (GRCh38, 1-based): chr10:60,072,448, T duplicated on the plus strand (A on the coding strand, the reverse complement: ANK3 is on the minus strand); the first of 6 consecutive T bases (chr10:60,072,448-60,072,453); duplicating any one gives the same sequence. VCF-style (leftmost placement, unchanged base first): chr10-60072447-G-GT. GRCh37 (hg19) VCF-style: chr10-61832205-G-GT.
Other names: c.4388-4439dup (NM_001204403.2); c.4409-4439dup (NM_001204404.2); c.4406-4439dup (NM_001320874.2); c.1808-4439dup (NM_001149.4); short protein forms Q2812fs.
Identifiers: ClinVar variation 3781159 (VCV003781159.2).
Genomic context (GRCh38, chr10:60,072,447, plus strand): 5'-CTTTAGCCTGCTGCTCAGAAAAAGAGTCAGGCATTGCTTTACTTGACATTTCAGTTCTCT[G>GT]TTTTTTCACATTATCAGAGCCAGAATCATTTACAACAATTTCGTTGCTTTGGGCATGCTC-3'

ClinVar aggregate classification (germline): Pathogenic (1 of 4 stars; one submission).

Submission:

GeneDx
Classification: Pathogenic. Last evaluated: 2025-05-22. Review status: criteria provided, single submitter. Criteria: GeneDx Variant Classification Process June 2021. Collection method: clinical testing. Allele origin: germline. Affected: yes.
Comment: Frameshift variant predicted to result in protein truncation or nonsense mediated decay in a gene for which loss of function is a known mechanism of disease; Not observed at significant frequency in large population cohorts (gnomAD); Has not been previously published as pathogenic or benign to our knowledge